The following is an entry in ClinVar:

NM_000169.3(GLA):c.897C>A (p.Asp299Glu)

Genes: GLA (galactosidase alpha; minus strand), RPL36A-HNRNPH2 (RPL36A-HNRNPH2 readthrough; plus strand). Cytogenetic location: Xq22.1.
Variant type: single nucleotide variant.
Coding change: c.897C>A on transcript NM_000169.3 (MANE Select); coding-DNA position 897, C replaced by A.
Protein change: p.Asp299Glu; replaces aspartic acid 299 with glutamic acid.
Molecular consequence: missense variant. On other transcripts: non-coding transcript variant (3), intron variant (2).
Genome position (GRCh38, 1-based): chrX:101,398,472, G>T on the plus strand (C>A on the coding strand, the complement: GLA is on the minus strand). VCF-style: chrX-101398472-G-T. GRCh37 (hg19) VCF-style: chrX-100653460-G-T.
Other names: c.1020C>A, p.Asp340Glu (NM_001406747.1); c.897C>A, p.Asp299Glu (NM_001406748.1); c.300+3015G>T (NM_001199973.2); c.177+6650G>T (NM_001199974.2); short protein forms D299E, D340E.
Identifiers: ClinVar variation 1162909 (VCV001162909.7), dbSNP rs2147472136, ClinGen allele CA413922275.

ClinVar aggregate classification (germline): Conflicting classifications of pathogenicity. Review status: criteria provided, conflicting classifications (1 of 4 stars). 2 submissions from 2 submitters: Pathogenic (1); Uncertain significance (1). Last evaluated 2026-09-08.

Conditions:
Fabry disease. Also called: Fabry's disease; Angiokeratoma corporis diffusum; Ceramide trihexosidosis; GLA DEFICIENCY; HEREDITARY DYSTOPIC LIPIDOSIS; ALPHA-GALACTOSIDASE A DEFICIENCY. Identifiers: Orphanet 324, MedGen C0002986, MONDO:0010526, OMIM 301500, HP:0001071. Disease mechanism: Fabry disease is due to inactivating mutations in the X-linked GLA gene resulting in deficiency of the enzyme Alpha Galactosidase-A., loss of function.

Submissions (2):

Genomenon, Inc
Classification: Uncertain significance for Fabry disease. Last evaluated: 2026-09-08. Review status: criteria provided, single submitter. Criteria: Genomenon Sequence Variant Interpretation Standards - Updated. Collection method: curation. Allele origin: germline. Affected: yes.
Comment: GLA p.Asp299Glu (c.897C>A) is a missense variant that changes the amino acid at codon 299 from Aspartic acid to Glutamic acid. This variant has been observed in at least one proband with clinical features consistent with Fabry disease (PMID:35578305). Functional or patient cell studies have been reported (PMID:35578305). It is absent or not present at a significant frequency in gnomAD. In silico models predict that this variant is possibly or probably damaging. In conclusion, we classify GLA p.Asp299Glu (c.897C>A) as a variant of uncertain significance.

Mayo Clinic Laboratories, Mayo Clinic
Classification: Pathogenic. Last evaluated: 2019-04-15. Review status: criteria provided, single submitter. Criteria: ACMG Guidelines, 2015. Collection method: clinical testing. Allele origin: germline. Observed: 1 variant allele.
Comment: PS1, PM2, PP3, PP4

Literature cited by the submitters: PubMed 35578305 (cited by Genomenon, Inc).